The following is an entry in ClinVar:

ClinVar aggregate classification (germline): Uncertain significance (1 of 4 stars; one submission).

Conditions:
Acute myeloid leukemia (AML). Also called: Leukemia, acute myeloid, somatic; Leukemia, acute myelogenous, somatic; Acute myeloid leukemia, adult; AML adult; Acute non-lymphocytic leukemia; Acute granulocytic leukemia. Identifiers: Orphanet 519, MedGen C0023467, MeSH D015470, MONDO:0018874, OMIM 601626, HP:0004808. Disease mechanism: Constitutively activated FLT3.

Submission:

Labcorp Genetics (formerly Invitae), Labcorp
Classification: Uncertain significance for Acute myeloid leukemia. Last evaluated: 2025-09-24. Review status: criteria provided, single submitter. Criteria: Invitae Variant Classification Sherloc (09022015). Collection method: clinical testing. Allele origin: germline.
Comment: This sequence change replaces alanine, which is neutral and non-polar, with proline, which is neutral and non-polar, at codon 211 of the CEBPA protein (p.Ala211Pro). The frequency data for this variant in the population databases is considered unreliable, as metrics indicate insufficient coverage at this position in the gnomAD database. This variant has not been reported in the literature in individuals affected with CEBPA-related conditions. ClinVar contains an entry for this variant (Variation ID: 582286). Invitae Evidence Modeling of protein sequence and biophysical properties (such as structural, functional, and spatial information, amino acid conservation, physicochemical variation, residue mobility, and thermodynamic stability) indicates that this missense variant is not expected to disrupt CEBPA protein function with a negative predictive value of 80%. In summary, the available evidence is currently insufficient to determine the role of this variant in disease. Therefore, it has been classified as a Variant of Uncertain Significance.

NM_004364.5(CEBPA):c.631G>C (p.Ala211Pro)

Gene: CEBPA (CCAAT enhancer binding protein alpha; minus strand). Cytogenetic location: 19q13.11.
Variant type: single nucleotide variant.
Coding change: c.631G>C on transcript NM_004364.5 (MANE Select); coding-DNA position 631, G replaced by C.
Protein change: p.Ala211Pro; replaces alanine 211 with proline.
Molecular consequence: missense variant.
Genome position (GRCh38, 1-based): chr19:33,301,784, C>G on the plus strand (G>C on the coding strand, the complement: CEBPA is on the minus strand). VCF-style: chr19-33301784-C-G. GRCh37 (hg19) VCF-style: chr19-33792690-C-G.
Other names: c.274G>C, p.Ala92Pro (NM_001285829.2); c.736G>C, p.Ala246Pro (NM_001287424.2); c.589G>C, p.Ala197Pro (NM_001287435.2); short protein forms A211P, A197P, A246P, A92P.
Identifiers: ClinVar variation 582286 (VCV000582286.11), dbSNP rs1568419687, ClinGen allele CA405274539.
Genomic context (GRCh38, chr19:33,301,784, plus strand): 5'-GCGTGGGCGGCGGCGTGGGGTGACCGGGCTGCAGGTGCATGGTGGTCTGGCCGCAGTGCG[C>G]GATCTGGAACTGCAGGTGCGGGGCGGCCAGGTGCGCGGGCGGCGGGTGCGGGTGCGGGTG-3'
Protein context (NP_004355.2, residues 201-221): LAAPHLQFQI[Ala211Pro]HCGQTTMHLQ